The following is an entry in ClinVar:

ClinVar aggregate classification (germline): Uncertain significance. Review status: criteria provided, multiple submitters, no conflicts (2 of 4 stars). 2 submissions from 2 submitters: Uncertain significance (2). Last evaluated 2024-09-13.

Conditions:
Agammaglobulinemia 8, autosomal dominant (AGM8A). Also called: AGAMMAGLOBULINEMIA 8A, AUTOSOMAL DOMINANT; AGAMMAGLOBULINEMIA, AUTOSOMAL DOMINANT, DUE TO TCF3 DEFECT. Identifiers: MedGen C4310786, MONDO:0014840, OMIM 616941.
Agammaglobulinemia 8b, autosomal recessive. Also called: AGAMMAGLOBULINEMIA, AUTOSOMAL RECESSIVE, DUE TO TCF3 DEFECT. Identifiers: MedGen C5676958, MONDO:0859234, OMIM 619824.

Submissions (2):

Labcorp Genetics (formerly Invitae), Labcorp
Classification: Uncertain significance. Last evaluated: 2024-09-13. Review status: criteria provided, single submitter. Criteria: Invitae Variant Classification Sherloc (09022015). Collection method: clinical testing. Allele origin: germline.
Comment: This sequence change replaces glycine, which is neutral and non-polar, with serine, which is neutral and polar, at codon 285 of the TCF3 protein (p.Gly285Ser). The frequency data for this variant in the population databases is considered unreliable, as metrics indicate poor data quality at this position in the gnomAD database. This variant has not been reported in the literature in individuals affected with TCF3-related conditions. Invitae Evidence Modeling of protein sequence and biophysical properties (such as structural, functional, and spatial information, amino acid conservation, physicochemical variation, residue mobility, and thermodynamic stability) indicates that this missense variant is not expected to disrupt TCF3 protein function with a negative predictive value of 80%. In summary, the available evidence is currently insufficient to determine the role of this variant in disease. Therefore, it has been classified as a Variant of Uncertain Significance.

Department of Pathology and Laboratory Medicine, Sinai Health System
Classification: Uncertain significance for Agammaglobulinemia 8, autosomal dominant; Agammaglobulinemia 8b, autosomal recessive. Last evaluated: 2020-08-19. Review status: criteria provided, single submitter. Criteria: ACMG Guidelines, 2015. Collection method: research. Allele origin: germline.

NM_003200.5(TCF3):c.853G>A (p.Gly285Ser)

Gene: TCF3 (transcription factor 3; minus strand). Cytogenetic location: 19p13.3.
Variant type: single nucleotide variant.
Coding change: c.853G>A on transcript NM_003200.5 (MANE Select); coding-DNA position 853, G replaced by A.
Protein change: p.Gly285Ser; replaces glycine 285 with serine.
Molecular consequence: missense variant.
Genome position (GRCh38, 1-based): chr19:1,621,940, C>T on the plus strand (G>A on the coding strand, the complement: TCF3 is on the minus strand). VCF-style: chr19-1621940-C-T. GRCh37 (hg19) VCF-style: chr19-1621939-C-T.
Other names: c.853G>A, p.Gly285Ser (NM_001136139.4, NM_001351778.2, NM_001351779.2); short protein forms G285S.
Identifiers: ClinVar variation 3608714 (VCV003608714.3).